The following is an entry in ClinVar:

NM_022049.3(GPR88):c.721GCC[7] (p.Ala246_Phe247insAla)

Gene: GPR88 (G protein-coupled receptor 88; plus strand). Cytogenetic location: 1p21.2.
Variant type: Microsatellite.
Coding change: c.721GCC[7] on transcript NM_022049.3 (MANE Select); seven copies in a row of the 3-base unit GCC starting at c.721; the reference has six copies in a row; one copy, 3 bases duplicated.
Protein change: p.Ala246_Phe247insAla.
Molecular consequence: inframe insertion.
Genome position (GRCh38, 1-based): chr1:100,539,702-100,539,704, GCC duplicated; duplicating any 3 consecutive bases within chr1:100,539,686-100,539,704 gives the same sequence; the position shown is the placement nearest the transcript's 3' end. VCF-style (leftmost placement, unchanged base first): chr1-100539685-G-GCGC. GRCh37 (hg19) VCF-style: chr1-101005241-G-GCGC.
Identifiers: ClinVar variation 2969020 (VCV002969020.3), dbSNP rs771443704, ClinGen allele CA971117.
Genomic context (GRCh38, chr1:100,539,685, plus strand): 5'-GTGTCAGCGTCAAGCGGGTCAGCGTGCTCAACTTCCACCTGCTGCACCAGTTGCCCGGCT[G>GCGC]CGCCGCCGCCGCCGCCGCCTTCCCGGGCGCCCAGCACGCGCCGGGCCCCGGTGGCGCCGC-3'

ClinVar aggregate classification (germline): Uncertain significance (1 of 4 stars; one submission).

Submission:

Labcorp Genetics (formerly Invitae), Labcorp
Classification: Uncertain significance. Last evaluated: 2023-08-08. Review status: criteria provided, single submitter. Criteria: Invitae Variant Classification Sherloc (09022015). Collection method: clinical testing. Allele origin: germline.
Comment: In summary, the available evidence is currently insufficient to determine the role of this variant in disease. Therefore, it has been classified as a Variant of Uncertain Significance. Experimental studies and prediction algorithms are not available or were not evaluated, and the functional significance of this variant is currently unknown. This variant has not been reported in the literature in individuals affected with GPR88-related conditions. This variant is present in population databases (rs775250766, gnomAD 0.09%), and has an allele count higher than expected for a pathogenic variant. This variant, c.736_738dup, results in the insertion of 1 amino acid(s) of the GPR88 protein (p.Ala246dup), but otherwise preserves the integrity of the reading frame.